The following is an entry in ClinVar:

ClinVar aggregate classification (germline): Pathogenic (1 of 4 stars; one submission).

Allele frequency attached by ClinVar (database versions not stated): ExAC 0.00001; gnomAD exomes 0.00001.
gnomAD v4.1: 5 of 1,614,116 alleles (0.00031%); highest among the groups gnomAD compares: South Asian, 0.0011%; no homozygotes.

Submission:

Labcorp Genetics (formerly Invitae), Labcorp
Classification: Pathogenic. Last evaluated: 2024-01-11. Review status: criteria provided, single submitter. Criteria: Invitae Variant Classification Sherloc (09022015). Collection method: clinical testing. Allele origin: germline.
Comment: This sequence change creates a premature translational stop signal (p.Gln368*) in the SKIV2L gene. It is expected to result in an absent or disrupted protein product. Loss-of-function variants in SKIV2L are known to be pathogenic (PMID: 22444670). This variant is present in population databases (rs754937769, gnomAD 0.003%). This variant has not been reported in the literature in individuals affected with SKIV2L-related conditions. For these reasons, this variant has been classified as Pathogenic.

Literature cited by the submitters: PubMed 22444670.

NM_006929.5(SKIC2):c.1102C>T (p.Gln368Ter)

Genes: SKIC2 (SKI2 subunit of superkiller complex; plus strand), LOC126859653 (CDK7 strongly-dependent group 2 enhancer GRCh37_chr6:31929542-31930741; plus strand). Cytogenetic location: 6p21.33.
Variant type: single nucleotide variant.
Coding change: c.1102C>T on transcript NM_006929.5 (MANE Select); coding-DNA position 1102, C replaced by T.
Protein change: p.Gln368Ter; replaces glutamine 368 with a stop codon.
Molecular consequence: nonsense.
Genome position (GRCh38, 1-based): chr6:31,962,476, C>T. VCF-style: chr6-31962476-C-T. GRCh37 (hg19) VCF-style: chr6-31930253-C-T.
Other names: short protein forms Q368*.
Identifiers: ClinVar variation 2709005 (VCV002709005.3), dbSNP rs754937769, ClinGen allele CA3729354.
Genomic context (GRCh38, chr6:31,962,476, plus strand): 5'-CTAACTTCATGCTCTCTTCCCAGCACCATCTACACTTCGCCCATCAAGGCCCTGAGCAAC[C>T]AGAAGTTCCGGGACTTCCGAAACACATTCGGGGATGTGGGGCTGCTCACCGGGGATGTAC-3'